The following is an entry in ClinVar:

NM_001130987.2(DYSF):c.1003-73A>G

Gene: DYSF (dysferlin; plus strand). Cytogenetic location: 2p13.2.
Variant type: single nucleotide variant.
Coding change: c.1003-73A>G on transcript NM_001130987.2 (MANE Select); 73 bases into the intron before coding-DNA position 1003, A replaced by G.
Molecular consequence: intron variant.
Genome position (GRCh38, 1-based): chr2:71,520,105, A>G. VCF-style: chr2-71520105-A-G. GRCh37 (hg19) VCF-style: chr2-71747235-A-G.
Other names: c.1000-73A>G (NM_001130979.2, NM_001130981.2, NM_001130980.2); c.907-73A>G (NM_001130978.2, NM_003494.4, NM_001130977.2 and 1 more transcripts); c.1003-73A>G (NM_001130982.2, NM_001130985.2); c.910-73A>G (NM_001130983.2, NM_001130455.2, NM_001130984.2 and 1 more transcripts).
Identifiers: ClinVar variation 679370 (VCV000679370.5), dbSNP rs11675897, ClinGen allele CA16101830.
Genomic context (GRCh38, chr2:71,520,105, plus strand): 5'-TCAAATGTTGACTGCCTGTGTTTCCAAATGTTCTTCAAAAACATGGTTTTTAATGGAATC[A>G]TATAATGCACCACACTTTATTTAACGCTTTGGCGGCAAGAGTTTGATTTGTGTCTCCTCT-3'

ClinVar aggregate classification (germline): Benign. Review status: criteria provided, multiple submitters, no conflicts (2 of 4 stars). 3 submissions from 3 submitters: Benign (3). Last evaluated 2021-06-10.

Conditions:
Miyoshi muscular dystrophy 1 (MMD1). Identifiers: Orphanet 45448, MedGen C4551973, MONDO:0024545, OMIM 254130.

Allele frequency attached by ClinVar (database versions not stated): 1000 Genomes Project 0.65595; 1000 Genomes Project 30x 0.66646; gnomAD exomes 0.78434; gnomAD 0.79445 and 0.81016; TOPMed 0.79665; ESP Exome Variant Server 0.83793.

Submissions (3):

Genome-Nilou Lab
Classification: Benign for Miyoshi muscular dystrophy 1. Last evaluated: 2021-06-10. Review status: criteria provided, single submitter. Criteria: ACMG Guidelines, 2015. Collection method: clinical testing. Allele origin: germline. Affected: no.

GeneDx
Classification: Benign. Last evaluated: 2018-06-14. Review status: criteria provided, single submitter. Criteria: GeneDx Variant Classification (06012015). Collection method: clinical testing. Allele origin: germline. Affected: yes.
Comment: This variant is considered likely benign or benign based on one or more of the following criteria: it is a conservative change, it occurs at a poorly conserved position in the protein, it is predicted to be benign by multiple in silico algorithms, and/or has population frequency not consistent with disease.

Breakthrough Genomics
Classification: Benign. Review status: criteria provided, single submitter. Criteria: ACMG Guidelines, 2015. Collection method: not provided. Allele origin: germline. Inheritance: Autosomal recessive inheritance. Affected: yes.